The following is an entry in ClinVar:

NM_172107.4(KCNQ2):c.2072G>A (p.Arg691His)

Gene: KCNQ2 (potassium voltage-gated channel subfamily Q member 2; minus strand). Cytogenetic location: 20q13.33.
Variant type: single nucleotide variant.
Coding change: c.2072G>A on transcript NM_172107.4 (MANE Select); coding-DNA position 2072, G replaced by A.
Protein change: p.Arg691His; replaces arginine 691 with histidine.
Molecular consequence: missense variant.
Genome position (GRCh38, 1-based): chr20:63,407,191, C>T on the plus strand (G>A on the coding strand, the complement: KCNQ2 is on the minus strand). VCF-style: chr20-63407191-C-T. GRCh37 (hg19) VCF-style: chr20-62038544-C-T.
Other names: p.R691H:CGC>CAC; c.2126G>A, p.Arg709His (NM_001382235.1); c.2015G>A, p.Arg672His (NM_001439003.1); c.1985G>A, p.Arg662His (NM_001439004.1); c.1988G>A, p.Arg663His (NM_004518.6); c.2018G>A, p.Arg673His (NM_172106.3); c.1979G>A, p.Arg660His (NM_172108.5); short protein forms R691H, R660H, R663H, R673H, R709H, R662H, R672H.
Identifiers: ClinVar variation 205930 (VCV000205930.7), dbSNP rs773194884, ClinGen allele CA315520.

ClinVar aggregate classification (germline): Conflicting classifications of pathogenicity. Review status: criteria provided, conflicting classifications (1 of 4 stars). 2 submissions from 2 submitters: Uncertain significance (1); Likely benign (1). Last evaluated 2024-08-24.

Conditions:
Early-infantile DEE. Also called: Early infantile epileptic encephalopathy; Ohtahara syndrome; Early infantile epileptic encephalopathy with suppression bursts. Identifiers: Orphanet 1934, MedGen C0393706, MONDO:0800491.

Allele frequency attached by ClinVar (database versions not stated): ExAC 0.00001; TOPMed 0.00002; gnomAD 0.00003.

Submissions (2):

Labcorp Genetics (formerly Invitae), Labcorp
Classification: Uncertain significance for Early-infantile DEE. Last evaluated: 2024-08-24. Review status: criteria provided, single submitter. Criteria: Invitae Variant Classification Sherloc (09022015). Collection method: clinical testing. Allele origin: germline.
Comment: This sequence change replaces arginine, which is basic and polar, with histidine, which is basic and polar, at codon 691 of the KCNQ2 protein (p.Arg691His). The frequency data for this variant in the population databases is considered unreliable, as metrics indicate poor data quality at this position in the gnomAD database. This variant has not been reported in the literature in individuals affected with KCNQ2-related conditions. ClinVar contains an entry for this variant (Variation ID: 205930). An algorithm developed to predict the effect of missense changes on protein structure and function (PolyPhen-2) suggests that this variant is likely to be tolerated. In summary, the available evidence is currently insufficient to determine the role of this variant in disease. Therefore, it has been classified as a Variant of Uncertain Significance.

GeneDx
Classification: Likely benign. Last evaluated: 2018-01-16. Review status: criteria provided, single submitter. Criteria: GeneDx Variant Classification (06012015). Collection method: clinical testing. Allele origin: germline. Affected: yes.
Comment: This variant is considered likely benign or benign based on one or more of the following criteria: it is a conservative change, it occurs at a poorly conserved position in the protein, it is predicted to be benign by multiple in silico algorithms, and/or has population frequency not consistent with disease.